The following is an entry in ClinVar:

ClinVar aggregate classification (germline): Uncertain significance (1 of 4 stars; one submission).

Conditions:
Zellweger spectrum disorders (ZS). Also called: Zellweger Spectrum Disorder; Zellweger Spectrum; Zellweger syndrome; Zellweger Spectrum Disorder (ZSD). Identifiers: Orphanet 912, MedGen C0043459, MONDO:0019609.

Allele frequency attached by ClinVar (database versions not stated): gnomAD exomes below 0.00001; TOPMed below 0.00001; ExAC 0.00001; ESP Exome Variant Server 0.00008.

Submission:

Labcorp Genetics (formerly Invitae), Labcorp
Classification: Uncertain significance for Zellweger spectrum disorders. Last evaluated: 2025-09-02. Review status: criteria provided, single submitter. Criteria: Invitae Variant Classification Sherloc (09022015). Collection method: clinical testing. Allele origin: germline.
Comment: This sequence change replaces arginine, which is basic and polar, with glutamine, which is neutral and polar, at codon 795 of the PEX1 protein (p.Arg795Gln). This variant is present in population databases (rs368954584, gnomAD 0.003%). This variant has not been reported in the literature in individuals affected with PEX1-related conditions. ClinVar contains an entry for this variant (Variation ID: 1424176). Invitae Evidence Modeling of protein sequence and biophysical properties (such as structural, functional, and spatial information, amino acid conservation, physicochemical variation, residue mobility, and thermodynamic stability) indicates that this missense variant is not expected to disrupt PEX1 protein function with a negative predictive value of 95%. In summary, the available evidence is currently insufficient to determine the role of this variant in disease. Therefore, it has been classified as a Variant of Uncertain Significance.

NM_000466.3(PEX1):c.2384G>A (p.Arg795Gln)

Gene: PEX1 (peroxisomal biogenesis factor 1; minus strand). Cytogenetic location: 7q21.2.
Variant type: single nucleotide variant.
Coding change: c.2384G>A on transcript NM_000466.3 (MANE Select); coding-DNA position 2384, G replaced by A.
Protein change: p.Arg795Gln; replaces arginine 795 with glutamine.
Molecular consequence: missense variant.
Genome position (GRCh38, 1-based): chr7:92,501,922, C>T on the plus strand (G>A on the coding strand, the complement: PEX1 is on the minus strand). VCF-style: chr7-92501922-C-T. GRCh37 (hg19) VCF-style: chr7-92131236-C-T.
Other names: c.2213G>A, p.Arg738Gln (NM_001282677.2); c.1760G>A, p.Arg587Gln (NM_001282678.2); short protein forms R795Q, R587Q, R738Q.
Identifiers: ClinVar variation 1424176 (VCV001424176.5), dbSNP rs368954584, ClinGen allele CA4341142.